The following is an entry in ClinVar:

ClinVar aggregate classification (germline): Pathogenic. Review status: criteria provided, multiple submitters, no conflicts (2 of 4 stars). 2 submissions from 2 submitters: Pathogenic (2). Last evaluated 2022-06-26.

Conditions:
Hereditary cancer-predisposing syndrome. Also called: Hereditary neoplastic syndrome; Tumor predisposition; Neoplastic Syndromes, Hereditary; Hereditary Cancer Syndrome. Identifiers: Orphanet 140162, MedGen C0027672, MeSH D009386, MONDO:0015356.
Birt-Hogg-Dube syndrome. Also called: Birt Hogg Dubé syndrome. Identifiers: Orphanet 122, MedGen C0346010, MONDO:0800444.

Submissions (2):

Labcorp Genetics (formerly Invitae), Labcorp
Classification: Pathogenic for Birt-Hogg-Dube syndrome. Last evaluated: 2022-06-26. Review status: criteria provided, single submitter. Criteria: Invitae Variant Classification Sherloc (09022015). Collection method: clinical testing. Allele origin: germline.
Comment: Algorithms developed to predict the effect of sequence changes on RNA splicing suggest that this variant may disrupt the consensus splice site. ClinVar contains an entry for this variant (Variation ID: 428652). Disruption of this splice site has been observed in individuals with Birt-Hogg-Dubé syndrome (PMID: 18234728). This variant is not present in population databases (gnomAD no frequency). This sequence change affects a donor splice site in intron 7 of the FLCN gene. It is expected to disrupt RNA splicing. Variants that disrupt the donor or acceptor splice site typically lead to a loss of protein function (PMID: 16199547), and loss-of-function variants in FLCN are known to be pathogenic (PMID: 15852235). For these reasons, this variant has been classified as Pathogenic.

Ambry Genetics
Classification: Pathogenic for Hereditary cancer-predisposing syndrome. Last evaluated: 2020-08-11. Review status: criteria provided, single submitter. Criteria: Ambry Variant Classification Scheme 2023. Collection method: clinical testing. Allele origin: germline.
Comment: The c.779+1G>C intronic pathogenic mutation results from a G to C substitution one nucleotide after coding exon 4 of the FLCN gene. A different substitution affecting the same nucleotide position, c.779+1G>T, has been reported in multiple families with Birt-Hogg-Dube syndrome (Toro JR et al. J. Med. Genet. 2008 Jun; 45(6):321-31). The c.779+1G>C variant was not reported in population-based cohorts in the Genome Aggregation Database (gnomAD). In silico splice site analysis predicts that this alteration will weaken the native splice donor site and will result in the creation or strengthening of a novel splice donor site. Alterations that disrupt the canonical splice site are expected to cause aberrant splicing, resulting in an abnormal protein or a transcript that is subject to nonsense-mediated mRNA decay. As such, this alteration is classified as a disease-causing mutation.

Literature cited by the submitters: PubMed 18234728 (cited by Labcorp Genetics (formerly Invitae), Labcorp); PubMed 16199547 (cited by Labcorp Genetics (formerly Invitae), Labcorp); PubMed 15852235 (cited by Labcorp Genetics (formerly Invitae), Labcorp).

NM_144997.7(FLCN):c.779+1G>C

Gene: FLCN (folliculin; minus strand). Cytogenetic location: 17p11.2.
Variant type: single nucleotide variant.
Coding change: c.779+1G>C on transcript NM_144997.7 (MANE Select); the canonical splice donor site of the intron after coding-DNA position 779, G replaced by C.
Molecular consequence: splice donor variant.
Genome position (GRCh38, 1-based): chr17:17,222,500, C>G on the plus strand (G>C on the coding strand, the complement: FLCN is on the minus strand). VCF-style: chr17-17222500-C-G. GRCh37 (hg19) VCF-style: chr17-17125814-C-G.
Other names: c.779+1G>C (NM_001353231.2, NM_001353230.2, NM_144606.7); c.833+1G>C (NM_001353229.2).
Identifiers: ClinVar variation 428652 (VCV000428652.10), dbSNP rs758175953, ClinGen allele CA398533812.